The following is an entry in ClinVar:

NM_000460.4(THPO):c.973C>T (p.Pro325Ser)

Gene: THPO (thrombopoietin; minus strand). Cytogenetic location: 3q27.1.
Variant type: single nucleotide variant.
Coding change: c.973C>T on transcript NM_000460.4 (MANE Select); coding-DNA position 973, C replaced by T.
Protein change: p.Pro325Ser; replaces proline 325 with serine.
Molecular consequence: missense variant.
Genome position (GRCh38, 1-based): chr3:184,372,602, G>A on the plus strand (C>T on the coding strand, the complement: THPO is on the minus strand). VCF-style: chr3-184372602-G-A. GRCh37 (hg19) VCF-style: chr3-184090390-G-A.
Other names: c.973C>T (NM_000460.3); c.961C>T, p.Pro321Ser (NM_001177597.2, NM_001290022.1); c.956C>T, p.Ser319Phe (NM_001177598.2, NM_001290026.1); c.857C>T, p.Ser286Phe (NM_001289997.1, NM_001290027.1); c.973C>T, p.Pro325Ser (NM_001289998.1, NM_001290028.1); c.1393C>T, p.Pro465Ser (NM_001290003.1); short protein forms P321S, P325S, P465S, S286F, S319F.
Identifiers: ClinVar variation 2135109 (VCV002135109.6), dbSNP rs62287511, ClinGen allele CA2734821.

ClinVar aggregate classification (germline): Conflicting classifications of pathogenicity. Review status: criteria provided, conflicting classifications (1 of 4 stars). 3 submissions from 3 submitters: Uncertain significance (2); Likely benign (1). Last evaluated 2024-10-08.

Allele frequency attached by ClinVar (database versions not stated): ExAC 0.00003; gnomAD exomes 0.00008; TOPMed 0.00016; gnomAD 0.00018.
gnomAD v4.1: 145 of 1,613,976 alleles (0.009%); highest among the groups gnomAD compares: Middle Eastern, 0.05%; no homozygotes.

Submissions (3):

Labcorp Genetics (formerly Invitae), Labcorp
Classification: Uncertain significance. Last evaluated: 2024-10-08. Review status: criteria provided, single submitter. Criteria: Invitae Variant Classification Sherloc (09022015). Collection method: clinical testing. Allele origin: germline.
Comment: This sequence change replaces proline, which is neutral and non-polar, with serine, which is neutral and polar, at codon 325 of the THPO protein (p.Pro325Ser). This variant is present in population databases (rs62287511, gnomAD 0.02%). This variant has not been reported in the literature in individuals affected with THPO-related conditions. ClinVar contains an entry for this variant (Variation ID: 2135109). An algorithm developed to predict the effect of missense changes on protein structure and function (PolyPhen-2) suggests that this variant is likely to be disruptive. In summary, the available evidence is currently insufficient to determine the role of this variant in disease. Therefore, it has been classified as a Variant of Uncertain Significance.

Blueprint Genetics
Classification: Likely benign. Last evaluated: 2024-09-17. Review status: criteria provided, single submitter. Criteria: ACMG Guidelines, 2015. Collection method: clinical testing. Allele origin: germline.

GeneDx
Classification: Uncertain significance. Last evaluated: 2022-11-17. Review status: criteria provided, single submitter. Criteria: GeneDx Variant Classification Process June 2021. Collection method: clinical testing. Allele origin: germline. Affected: yes.
Comment: In silico analysis supports that this missense variant has a deleterious effect on protein structure/function; Has not been previously published as pathogenic or benign to our knowledge